The following is an entry in ClinVar:

ClinVar aggregate classification (germline): Likely benign (1 of 4 stars; one submission).

Submission:

CeGaT Center for Human Genetics Tuebingen
Classification: Likely benign. Last evaluated: 2023-11-01. Review status: criteria provided, single submitter. Criteria: CeGaT Center For Human Genetics Tuebingen Variant Classification Criteria Version 2. Collection method: clinical testing. Allele origin: germline. Affected: yes. Observed: 1 variant allele.
Comment: DMBT1: PM2:Supporting, BP4, BP7

NM_001377530.1(DMBT1):c.1752C>G (p.Gly584=)

Gene: DMBT1 (deleted in malignant brain tumors 1; plus strand). Cytogenetic location: 10q26.13.
Variant type: single nucleotide variant.
Coding change: c.1752C>G on transcript NM_001377530.1 (MANE Select); coding-DNA position 1752, C replaced by G.
Protein change: p.Gly584=; no amino-acid change (glycine 584 retained).
Molecular consequence: synonymous variant. On other transcripts: intron variant (1).
Genome position (GRCh38, 1-based): chr10:122,586,352, C>G. VCF-style: chr10-122586352-C-G. GRCh37 (hg19) VCF-style: chr10-124345868-C-G.
Other names: c.1752C>G, p.Gly584= (NM_001320644.2, NM_007329.3); c.1722C>G, p.Gly574= (NM_017579.3); c.1420+2001C>G (NM_004406.3).
Identifiers: ClinVar variation 2672419 (VCV002672419.23), dbSNP rs762671923, ClinGen allele CA214432126.